The following is an entry in ClinVar:

ClinVar aggregate classification (germline): Pathogenic. Review status: criteria provided, single submitter (1 of 4 stars). 2 submissions from 2 submitters: Pathogenic (1). 1 of the submissions does not count toward it. Last evaluated 2023-02-04.

Conditions:
Walker-Warburg congenital muscular dystrophy. Also called: Muscular dystrophy-dystroglycanopathy, type A; Walker-Warburg syndrome. Identifiers: Orphanet 899, MedGen C0265221, MONDO:0000171.
Muscular dystrophy-dystroglycanopathy (congenital with brain and eye anomalies), type A, 4 (MDDGA4). Also called: Fukuyama congenital muscular dystrophy; Muscular dystrophy, congenital progressive, with mental retardation; Muscular dystrophy, congenital, with central nervous system involvement; Cerebromuscular dystrophy, Fukuyama type; Walker-Warburg Syndrome, Fktn-Related; Congenital muscular dystrophy-dystroglycanopathy with brain and eye anomalies, type A4. Identifiers: Orphanet 272, Orphanet 588, Orphanet 899, MedGen C0410174, MONDO:0009678, OMIM 253800.

Submissions (2):

Labcorp Genetics (formerly Invitae), Labcorp
Classification: Pathogenic for Walker-Warburg congenital muscular dystrophy. Last evaluated: 2023-02-04. Review status: criteria provided, single submitter. Criteria: Invitae Variant Classification Sherloc (09022015). Collection method: clinical testing. Allele origin: germline.
Comment: This sequence change creates a premature translational stop signal (p.Asp144Ilefs*4) in the FKTN gene. It is expected to result in an absent or disrupted protein product. Loss-of-function variants in FKTN are known to be pathogenic (PMID: 17044012, 17878207, 18752264). This variant has not been reported in the literature in individuals affected with FKTN-related conditions. This variant is not present in population databases (gnomAD no frequency). ClinVar contains an entry for this variant (Variation ID: 370133). For these reasons, this variant has been classified as Pathogenic.

Counsyl
Classification: Likely pathogenic for Muscular dystrophy-dystroglycanopathy (congenital with brain and eye anomalies), type A, 4. Last evaluated: 2015-11-24. Review status: no assertion criteria provided. Collection method: clinical testing. Allele origin: unknown. Not counted in ClinVar's aggregate classification.

Literature cited by the submitters: PubMed 17044012 (cited by Labcorp Genetics (formerly Invitae), Labcorp); PubMed 17878207 (cited by Labcorp Genetics (formerly Invitae), Labcorp); PubMed 18752264 (cited by Labcorp Genetics (formerly Invitae), Labcorp).

NM_001079802.2(FKTN):c.429del (p.Asp144fs)

Gene: FKTN (fukutin; plus strand). Cytogenetic location: 9q31.2.
Variant type: Deletion.
Coding change: c.429del on transcript NM_001079802.2 (MANE Select); coding-DNA position 429, one base deleted (A; older notation c.429delA).
Protein change: p.Asp144fs; shifts the reading frame from aspartic acid 144.
Molecular consequence: frameshift variant. On other transcripts: non-coding transcript variant (2).
Genome position (GRCh38, 1-based): chr9:105,604,274, A deleted; the last of 3 consecutive A bases (chr9:105,604,272-105,604,274); deleting any one gives the same sequence. VCF-style (leftmost placement, unchanged base first): chr9-105604271-TA-T. GRCh37 (hg19) VCF-style: chr9-108366552-TA-T.
Other names: c.429delA (NM_001079802.1); c.429del, p.Asp144fs (NM_001198963.2, NM_001351496.2, NM_001351498.2 and 1 more transcripts); c.360del, p.Asp121fs (NM_001351497.2); c.33del, p.Asp12fs (NM_001351499.2, NM_001351500.2, NM_001351501.2 and 1 more transcripts); short protein forms D121fs, D144fs, D12fs.
Identifiers: ClinVar variation 370133 (VCV000370133.8), dbSNP rs1057516258, ClinGen allele CA16041291.